The following is an entry in ClinVar:

ClinVar aggregate classification (germline): Likely benign. Review status: criteria provided, single submitter (1 of 4 stars). 2 submissions from 2 submitters: Likely benign (1). 1 of the submissions does not count toward it. Last evaluated 2025-10-23.

Conditions:
MAFB-related disorder. Also called: MAFB-related condition.

Allele frequency attached by ClinVar (database versions not stated): gnomAD exomes 0.00003; ExAC 0.00006; ESP Exome Variant Server 0.00015; TOPMed 0.00018; gnomAD 0.00025 and 0.00026.

Submissions (2):

Labcorp Genetics (formerly Invitae), Labcorp
Classification: Likely benign. Last evaluated: 2025-10-23. Review status: criteria provided, single submitter. Criteria: Invitae Variant Classification Sherloc (09022015). Collection method: clinical testing. Allele origin: germline.

PreventionGenetics, part of Exact Sciences
Classification: Likely benign for MAFB-related condition. Last evaluated: 2020-12-09. Review status: no assertion criteria provided. Collection method: clinical testing. Allele origin: germline. Not counted in ClinVar's aggregate classification.
Comment: This variant is classified as likely benign based on ACMG/AMP sequence variant interpretation guidelines (Richards et al. 2015 PMID: 25741868, with internal and published modifications).

NM_005461.5(MAFB):c.72C>T (p.Phe24=)

Gene: MAFB (MAF bZIP transcription factor B; minus strand). Cytogenetic location: 20q12.
Variant type: single nucleotide variant.
Coding change: c.72C>T on transcript NM_005461.5 (MANE Select); coding-DNA position 72, C replaced by T.
Protein change: p.Phe24=; no amino-acid change (phenylalanine 24 retained).
Molecular consequence: synonymous variant.
Genome position (GRCh38, 1-based): chr20:40,688,779, G>A on the plus strand (C>T on the coding strand, the complement: MAFB is on the minus strand). VCF-style: chr20-40688779-G-A. GRCh37 (hg19) VCF-style: chr20-39317419-G-A.
Identifiers: ClinVar variation 742916 (VCV000742916.9), dbSNP rs372188762, ClinGen allele CA9857848.